The following is an entry in ClinVar:

NM_000179.3(MSH6):c.2266G>C (p.Gly756Arg)

Gene: MSH6 (mutS homolog 6; plus strand). Cytogenetic location: 2p16.3.
Variant type: single nucleotide variant.
Coding change: c.2266G>C on transcript NM_000179.3 (MANE Select); coding-DNA position 2266, G replaced by C.
Protein change: p.Gly756Arg; replaces glycine 756 with arginine.
Molecular consequence: missense variant.
Genome position (GRCh38, 1-based): chr2:47,800,249, G>C. VCF-style: chr2-47800249-G-C. GRCh37 (hg19) VCF-style: chr2-48027388-G-C.
Other names: c.1876G>C, p.Gly626Arg (NM_001281492.2); c.1360G>C, p.Gly454Arg (NM_001281493.2, NM_001281494.2); short protein forms G454R, G626R, G756R.
Identifiers: ClinVar variation 1009226 (VCV001009226.9), dbSNP rs1669441430, ClinGen allele CA346752796.

ClinVar aggregate classification (germline): Uncertain significance (1 of 4 stars; one submission).

Conditions:
Hereditary nonpolyposis colorectal neoplasms. Identifiers: MedGen C0009405, MeSH D003123.

Allele frequency attached by ClinVar (database versions not stated): gnomAD exomes below 0.00001.
gnomAD v4.1: 3 of 1,614,100 alleles (0.00019%); highest among the groups gnomAD compares: Non-Finnish European, 0.00025%; no homozygotes.

Submission:

Labcorp Genetics (formerly Invitae), Labcorp
Classification: Uncertain significance for Hereditary nonpolyposis colorectal neoplasms. Last evaluated: 2020-08-03. Review status: criteria provided, single submitter. Criteria: Invitae Variant Classification Sherloc (09022015). Collection method: clinical testing. Allele origin: germline.
Comment: In summary, the available evidence is currently insufficient to determine the role of this variant in disease. Therefore, it has been classified as a Variant of Uncertain Significance. Advanced modeling of protein sequence and biophysical properties (such as structural, functional, and spatial information, amino acid conservation, physicochemical variation, residue mobility, and thermodynamic stability) performed at Invitae indicates that this missense variant is expected to disrupt MSH6 protein function. This variant has not been reported in the literature in individuals with MSH6-related conditions. This variant is not present in population databases (ExAC no frequency). This sequence change replaces glycine with arginine at codon 756 of the MSH6 protein (p.Gly756Arg). The glycine residue is highly conserved and there is a moderate physicochemical difference between glycine and arginine.